The following is an entry in ClinVar:

ClinVar aggregate classification (germline): Likely pathogenic. Review status: criteria provided, multiple submitters, no conflicts (2 of 4 stars). 2 submissions from 2 submitters: Likely pathogenic (2). Last evaluated 2025-01-08.

Conditions:
Intellectual disability. Also called: intellectual disabilities; Intellectual developmental disorder; Intellectual functioning disability. Identifiers: MedGen C3714756, MeSH D008607, MONDO:0001071, HP:0001249.
Developmental and epileptic encephalopathy, 19 (DEE19). Also called: Epileptic encephalopathy, early infantile, 19. Identifiers: Orphanet 33069, MedGen C3810400, MONDO:0014328, OMIM 615744.

Submissions (2):

Department of Neurology, Zibo Changguo Hospital
Classification: Likely pathogenic for Developmental and epileptic encephalopathy, 19. Last evaluated: 2025-01-08. Review status: criteria provided, single submitter. Criteria: ACMG Guidelines, 2015. Collection method: clinical testing. Allele origin: maternal. Inheritance: Autosomal dominant inheritance. Affected: yes.
Comment: PM1, PM5, PM2_Supporting, PP2, PP3

Diagnostic Laboratory, Strasbourg University Hospital
Classification: Likely pathogenic for Intellectual disability. Last evaluated: 2020-09-10. Review status: criteria provided, single submitter. Criteria: ACMG Guidelines, 2015. Collection method: clinical testing. Allele origin: de novo. Affected: yes. Observed: 1 heterozygote.

NM_001127644.2(GABRA1):c.922G>A (p.Ala308Thr)

Gene: GABRA1 (gamma-aminobutyric acid type A receptor subunit alpha1; plus strand). Cytogenetic location: 5q34.
Variant type: single nucleotide variant.
Coding change: c.922G>A on transcript NM_001127644.2 (MANE Select); coding-DNA position 922, G replaced by A.
Protein change: p.Ala308Thr; replaces alanine 308 with threonine.
Molecular consequence: missense variant.
Genome position (GRCh38, 1-based): chr5:161,895,731, G>A. VCF-style: chr5-161895731-G-A. GRCh37 (hg19) VCF-style: chr5-161322737-G-A.
Other names: c.922G>A, p.Ala308Thr (NM_000806.5, NM_001127643.2, NM_001127645.2 and 1 more transcripts); short protein forms A308T.
Identifiers: ClinVar variation 981377 (VCV000981377.2), dbSNP rs1755334003, ClinGen allele CA362180201.
Genomic context (GRCh38, chr5:161,895,731, plus strand): 5'-ACAACTGTGCTCACCATGACAACATTGAGCATCAGTGCCAGAAACTCCCTCCCTAAGGTG[G>A]CTTATGCAACAGCTATGGATTGGTTTATTGCCGTGTGCTATGCCTTTGTGTTCTCAGCTC-3'
Protein context (NP_001121116.1, residues 298-318): ISARNSLPKV[Ala308Thr]YATAMDWFIA